The following is an entry in ClinVar:

ClinVar aggregate classification (germline): Benign. Review status: criteria provided, multiple submitters, no conflicts (2 of 4 stars). 6 submissions from 6 submitters: Benign (6). Last evaluated 2026-02-04.

Conditions:
Noonan syndrome 9 (NS9). Identifiers: Orphanet 648, MedGen C4225282, MONDO:0014691, OMIM 616559.

Submissions (6):

Labcorp Genetics (formerly Invitae), Labcorp
Classification: Benign for Noonan syndrome 9. Last evaluated: 2026-02-04. Review status: criteria provided, single submitter. Criteria: Invitae Variant Classification Sherloc (09022015). Collection method: clinical testing. Allele origin: germline.

Blueprint Genetics
Classification: Benign. Last evaluated: 2024-11-27. Review status: criteria provided, single submitter. Criteria: ACMG Guidelines, 2015. Collection method: clinical testing. Allele origin: germline.

Mayo Clinic Laboratories, Mayo Clinic
Classification: Benign. Last evaluated: 2022-04-26. Review status: criteria provided, single submitter. Criteria: ACMG Guidelines, 2015. Collection method: clinical testing. Allele origin: germline. Observed: 358 variant alleles.

Women's Health and Genetics/Laboratory Corporation of America, LabCorp
Classification: Benign. Last evaluated: 2019-08-19. Review status: criteria provided, single submitter. Criteria: LabCorp Variant Classification Summary - May 2015. Collection method: clinical testing. Allele origin: germline.
Comment: Variant summary: SOS2 c.2786-6dupT alters a non-conserved nucleotide located close to a canonical splice site and therefore could affect mRNA splicing, leading to a significantly altered protein sequence. The variant allele was found at a frequency of 0.21 in 55180 control chromosomes in the gnomAD database, including 621 homozygotes. The observed variant frequency is approximately 80000 fold of the estimated maximal expected allele frequency for a pathogenic variant in SOS2 causing Noonan Syndrome and Related Conditions phenotype (2.5e-06), strongly suggesting that the variant is benign. To our knowledge, no occurrence of c.2786-6dupT in individuals affected with Noonan Syndrome and Related Conditions and no experimental evidence demonstrating its impact on protein function have been reported. One clinical diagnostic laboratory has submitted clinical-significance assessments for this variant to ClinVar after 2014 without evidence for independent evaluation, and classified the variant as benign. Based on the evidence outlined above, the variant was classified as benign.

GeneDx
Classification: Benign. Last evaluated: 2018-06-08. Review status: criteria provided, single submitter. Criteria: GeneDx Variant Classification Process June 2021. Collection method: clinical testing. Allele origin: germline. Affected: yes.

Genome-Nilou Lab
Classification: Benign for Noonan syndrome 9. Review status: criteria provided, single submitter. Criteria: ACMG Guidelines, 2015. Collection method: clinical testing. Allele origin: germline.

NM_006939.4(SOS2):c.2786-18dup

Gene: SOS2 (SOS Ras/Rho guanine nucleotide exchange factor 2; minus strand). Cytogenetic location: 14q21.3.
Variant type: Duplication.
Coding change: c.2786-18dup on transcript NM_006939.4 (MANE Select); 18 bases into the intron before coding-DNA position 2786, one base duplicated (T; older notation c.2786-18dupT).
Molecular consequence: intron variant.
Genome position (GRCh38, 1-based): chr14:50,138,790, A duplicated on the plus strand (T on the coding strand, the reverse complement: SOS2 is on the minus strand); the first of 13 consecutive A bases (chr14:50,138,790-50,138,802); duplicating any one gives the same sequence. VCF-style (leftmost placement, unchanged base first): chr14-50138789-T-TA. GRCh37 (hg19) VCF-style: chr14-50605507-T-TA.
Other names: p.?; c.2786-6dup (NM_006939.4).
Identifiers: ClinVar variation 517058 (VCV000517058.16), dbSNP rs201957103, ClinGen allele CA7176935.